The following is an entry in ClinVar:

NM_182961.4(SYNE1):c.10708C>T (p.Arg3570Trp)

Gene: SYNE1 (spectrin repeat containing nuclear envelope protein 1; minus strand). Cytogenetic location: 6q25.2.
Variant type: single nucleotide variant.
Coding change: c.10708C>T on transcript NM_182961.4 (MANE Select); coding-DNA position 10708, C replaced by T.
Protein change: p.Arg3570Trp; replaces arginine 3570 with tryptophan.
Molecular consequence: missense variant.
Genome position (GRCh38, 1-based): chr6:152,354,877, G>A on the plus strand (C>T on the coding strand, the complement: SYNE1 is on the minus strand). VCF-style: chr6-152354877-G-A. GRCh37 (hg19) VCF-style: chr6-152676012-G-A.
Other names: c.10729C>T (NM_033071.3); c.10729C>T, p.Arg3577Trp (NM_033071.5); short protein forms R3577W, R3570W.
Identifiers: ClinVar variation 288670 (VCV000288670.9), dbSNP rs886043975, ClinGen allele CA10606181.

ClinVar aggregate classification (germline): Uncertain significance. Review status: criteria provided, multiple submitters, no conflicts (2 of 4 stars). 3 submissions from 3 submitters: Uncertain significance (3). Last evaluated 2025-10-24.

Conditions:
Autosomal recessive ataxia, Beauce type. Also called: Spinocerebellar ataxia, autosomal recessive 8; ATAXIA, RECESSIVE, OF BEAUCE; SYNE1 Deficiency; SYNE1-Related Autosomal Recessive Cerebellar Ataxia. Identifiers: Orphanet 88644, MedGen C1853116, MONDO:0012549, OMIM 610743.
Emery-Dreifuss muscular dystrophy 4, autosomal dominant (EDMD4). Also called: EMERY-DREIFUSS MUSCULAR DYSTROPHY 4 WITH VARIABLE FEATURES. Identifiers: Orphanet 261, MedGen C2751807, MONDO:0013071, OMIM 612998.

Allele frequency attached by ClinVar (database versions not stated): gnomAD exomes below 0.00001 and 0.00002; TOPMed below 0.00001.
gnomAD v4.1: 26 of 1,614,098 alleles (0.0016%); highest among the groups gnomAD compares: South Asian, 0.0033%; no homozygotes.

Submissions (3):

Labcorp Genetics (formerly Invitae), Labcorp
Classification: Uncertain significance for Emery-Dreifuss muscular dystrophy 4, autosomal dominant; Autosomal recessive ataxia, Beauce type. Last evaluated: 2025-10-24. Review status: criteria provided, single submitter. Criteria: Invitae Variant Classification Sherloc (09022015). Collection method: clinical testing. Allele origin: germline.
Comment: This sequence change replaces arginine, which is basic and polar, with tryptophan, which is neutral and slightly polar, at codon 3577 of the SYNE1 protein (p.Arg3577Trp). This variant is present in population databases (no rsID available, gnomAD 0.0009%). This variant has not been reported in the literature in individuals affected with SYNE1-related conditions. ClinVar contains an entry for this variant (Variation ID: 288670). An algorithm developed to predict the effect of missense changes on protein structure and function (PolyPhen-2) suggests that this variant is likely to be disruptive. In summary, the available evidence is currently insufficient to determine the role of this variant in disease. Therefore, it has been classified as a Variant of Uncertain Significance.

Revvity Omics, Revvity
Classification: Uncertain significance. Last evaluated: 2024-01-23. Review status: criteria provided, single submitter. Criteria: ACMG Guidelines, 2015. Collection method: clinical testing. Allele origin: germline.

Eurofins Ntd Llc (ga)
Classification: Uncertain significance. Last evaluated: 2016-06-14. Review status: criteria provided, single submitter. Criteria: EGL Classification Definitions 2015. Collection method: clinical testing. Allele origin: germline. Observed: 1 variant allele, 1 heterozygote.